The following is an entry in ClinVar:

ClinVar aggregate classification (germline): Uncertain significance (1 of 4 stars; one submission).

gnomAD v4.1: 6 of 1,614,212 alleles (0.00037%); highest among the groups gnomAD compares: Non-Finnish European, 0.00042%; no homozygotes.

Submission:

GeneDx
Classification: Uncertain significance. Last evaluated: 2024-01-26. Review status: criteria provided, single submitter. Criteria: GeneDx Variant Classification Process June 2021. Collection method: clinical testing. Allele origin: germline. Affected: yes.
Comment: Not observed at significant frequency in large population cohorts (gnomAD); In silico analysis supports that this missense variant does not alter protein structure/function; Has not been previously published as pathogenic or benign to our knowledge

NM_001378457.1(DMXL2):c.3184A>G (p.Ser1062Gly)

Gene: DMXL2 (Dmx like 2; minus strand). Cytogenetic location: 15q21.2.
Variant type: single nucleotide variant.
Coding change: c.3184A>G on transcript NM_001378457.1 (MANE Select); coding-DNA position 3184, A replaced by G.
Protein change: p.Ser1062Gly; replaces serine 1062 with glycine.
Molecular consequence: missense variant. On other transcripts: non-coding transcript variant (2), intron variant (2).
Genome position (GRCh38, 1-based): chr15:51,500,040, T>C on the plus strand (A>G on the coding strand, the complement: DMXL2 is on the minus strand). VCF-style: chr15-51500040-T-C. GRCh37 (hg19) VCF-style: chr15-51792237-T-C.
Other names: c.3184A>G, p.Ser1062Gly (NM_001174116.3, NM_001378458.1, NM_001378459.1 and 4 more transcripts); c.2944A>G, p.Ser982Gly (NM_001378464.1); c.2764+7094A>G (NM_001378460.1); c.2765-4906A>G (NM_001174117.3); short protein forms S1062G, S982G.
Identifiers: ClinVar variation 3368400 (VCV003368400.1).